The following is an entry in ClinVar:

NM_130837.3(OPA1):c.1909_1912del (p.Tyr637fs)

Gene: OPA1 (OPA1 mitochondrial dynamin like GTPase; plus strand). Cytogenetic location: 3q29.
Variant type: Deletion.
Coding change: c.1909_1912del on transcript NM_130837.3 (MANE Select); coding-DNA positions 1909 to 1912, 4 bases deleted (TATC; older notation c.1909_1912delTATC).
Protein change: p.Tyr637fs; shifts the reading frame from tyrosine 637.
Molecular consequence: frameshift variant.
Genome position (GRCh38, 1-based): chr3:193,648,108-193,648,111, TATC deleted; deleting any 4 consecutive bases within chr3:193,648,107-193,648,111 gives the same sequence; the c. name uses the placement nearest the transcript's 3' end. VCF-style (leftmost placement, unchanged base first): chr3-193648106-ACTAT-A. GRCh37 (hg19) VCF-style: chr3-193365895-ACTAT-A.
Other names: c.1375_1378del, p.Tyr459fs (NM_001354663.2); c.1372_1375del, p.Tyr458fs (NM_001354664.2); c.1744_1747del, p.Tyr582fs (NM_015560.3); c.1636_1639del, p.Tyr546fs (NM_130831.3); c.1690_1693del, p.Tyr564fs (NM_130832.3); c.1747_1750del, p.Tyr583fs (NM_130833.3); c.1798_1801del, p.Tyr600fs (NM_130834.3); c.1801_1804del, p.Tyr601fs (NM_130835.3); and 1 more; short protein forms Y582fs, Y458fs, Y619fs, Y637fs, Y459fs, Y546fs, Y600fs, Y564fs.
Identifiers: ClinVar variation 2818174 (VCV002818174.3), dbSNP rs2474933339, ClinGen allele CA2739265879.

ClinVar aggregate classification (germline): Pathogenic (1 of 4 stars; one submission).

Submission:

Labcorp Genetics (formerly Invitae), Labcorp
Classification: Pathogenic. Last evaluated: 2022-12-03. Review status: criteria provided, single submitter. Criteria: Invitae Variant Classification Sherloc (09022015). Collection method: clinical testing. Allele origin: germline.
Comment: This variant has not been reported in the literature in individuals affected with OPA1-related conditions. This variant is not present in population databases (gnomAD no frequency). This sequence change creates a premature translational stop signal (p.Tyr582Leufs*26) in the OPA1 gene. It is expected to result in an absent or disrupted protein product. Loss-of-function variants in OPA1 are known to be pathogenic (PMID: 11440988, 20157015, 20952381, 25012220). For these reasons, this variant has been classified as Pathogenic.

Literature cited by the submitters: PubMed 11440988; PubMed 20157015; PubMed 20952381; PubMed 25012220.